The following is an entry in ClinVar:

ClinVar aggregate classification (germline): Pathogenic/Likely pathogenic. Review status: criteria provided, multiple submitters, no conflicts (2 of 4 stars). 2 submissions from 2 submitters: Pathogenic (1); Likely pathogenic (1). Last evaluated 2024-03-22.

Conditions:
Primary ciliary dyskinesia. Also called: Ciliary dyskinesia. Identifiers: Orphanet 244, MedGen C0008780, MONDO:0016575, HP:0012265.
Primary ciliary dyskinesia 3. Identifiers: Orphanet 244, MedGen C1837618, MONDO:0012085, OMIM 608644.

Submissions (2):

Labcorp Genetics (formerly Invitae), Labcorp
Classification: Pathogenic for Primary ciliary dyskinesia. Last evaluated: 2024-03-22. Review status: criteria provided, single submitter. Criteria: Invitae Variant Classification Sherloc (09022015). Collection method: clinical testing. Allele origin: germline.
Comment: This sequence change affects a donor splice site in intron 23 of the DNAH5 gene. It is expected to disrupt RNA splicing. Variants that disrupt the donor or acceptor splice site typically lead to a loss of protein function (PMID: 16199547), and loss-of-function variants in DNAH5 are known to be pathogenic (PMID: 11788826, 16627867). This variant is not present in population databases (gnomAD no frequency). Disruption of this splice site has been observed in individual(s) with primary ciliary dyskinesia (PMID: 27637300). In at least one individual the data is consistent with being in trans (on the opposite chromosome) from a pathogenic variant. It has also been observed to segregate with disease in related individuals. ClinVar contains an entry for this variant (Variation ID: 1366452). Algorithms developed to predict the effect of sequence changes on RNA splicing suggest that this variant may disrupt the consensus splice site. For these reasons, this variant has been classified as Pathogenic.

Fulgent Genetics
Classification: Likely pathogenic for Primary ciliary dyskinesia 3. Last evaluated: 2022-01-31. Review status: criteria provided, single submitter. Criteria: ACMG Guidelines, 2015. Collection method: clinical testing. Allele origin: unknown.

Literature cited by the submitters: PubMed 16199547 (cited by Labcorp Genetics (formerly Invitae), Labcorp); PubMed 11788826 (cited by Labcorp Genetics (formerly Invitae), Labcorp); PubMed 16627867 (cited by Labcorp Genetics (formerly Invitae), Labcorp); PubMed 27637300 (cited by Labcorp Genetics (formerly Invitae), Labcorp).

NM_001369.3(DNAH5):c.3598+1G>A

Genes: DNAH5 (dynein axonemal heavy chain 5; minus strand), DNAH5-AS1 (DNAH5 antisense RNA 1; plus strand). Cytogenetic location: 5p15.2.
Variant type: single nucleotide variant.
Coding change: c.3598+1G>A on transcript NM_001369.3 (MANE Select); the canonical splice donor site of the intron after coding-DNA position 3598, G replaced by A.
Molecular consequence: splice donor variant.
Genome position (GRCh38, 1-based): chr5:13,871,563, C>T on the plus strand (G>A on the coding strand, the complement: DNAH5 is on the minus strand). VCF-style: chr5-13871563-C-T. GRCh37 (hg19) VCF-style: chr5-13871672-C-T.
Identifiers: ClinVar variation 1366452 (VCV001366452.9), dbSNP rs2151920209, ClinGen allele CA359232576.
Genomic context (GRCh38, chr5:13,871,563, plus strand): 5'-GGTAAAGAGGCAGAACAATAATGGCTAATTTATATAACTATATGAAAGAAAATGAACCAA[C>T]CTGTGTACAGAGCAATGGAACCCACACAGACATATTCAGGCTCAGCATTAATTTCCTGCT-3'